The following is an entry in ClinVar:

NM_177924.5(ASAH1):c.1079C>T (p.Thr360Ile)

Gene: ASAH1 (N-acylsphingosine amidohydrolase 1; minus strand). Cytogenetic location: 8p22.
Variant type: single nucleotide variant.
Coding change: c.1079C>T on transcript NM_177924.5 (MANE Select); coding-DNA position 1079, C replaced by T.
Protein change: p.Thr360Ile; replaces threonine 360 with isoleucine.
Molecular consequence: missense variant.
Genome position (GRCh38, 1-based): chr8:18,058,854, G>A on the plus strand (C>T on the coding strand, the complement: ASAH1 is on the minus strand). VCF-style: chr8-18058854-G-A. GRCh37 (hg19) VCF-style: chr8-17916363-G-A.
Other names: c.1061C>T, p.Thr354Ile (NM_001127505.3); c.884C>T, p.Thr295Ile (NM_001363743.2); c.1127C>T, p.Thr376Ile (NM_004315.6); short protein forms T376I, T354I, T360I, T295I.
Identifiers: ClinVar variation 911468 (VCV000911468.8), dbSNP rs371520705, ClinGen allele CA4650547.
Genomic context (GRCh38, chr8:18,058,854, plus strand): 5'-CTTTCCCTAAAAGGCAAATATACATATAACATTTAAAATACCTTGTTGAGGACAGGTTTT[G>A]TTGACAGGACATCATACATGGTTTCAAATGAGATATTCTAAAACACAAGAAAATAGTTTT-3'
Protein context (NP_808592.2, residues 350-370): SFETMYDVLS[Thr360Ile]KPVLNKLTVY

ClinVar aggregate classification (germline): Uncertain significance. Review status: criteria provided, multiple submitters, no conflicts (2 of 4 stars). 4 submissions from 4 submitters: Uncertain significance (4). Last evaluated 2023-06-14.

Conditions:
Farber lipogranulomatosis (FRBRL). Also called: Farber's lipogranulomatosis; AC DEFICIENCY; ACID CERAMIDASE DEFICIENCY; CERAMIDASE DEFICIENCY; N-LAURYLSPHINGOSINE DEACYLASE DEFICIENCY; Farber's disease. Identifiers: Orphanet 333, MedGen C0268255, MONDO:0009218, OMIM 228000.

Allele frequency attached by ClinVar (database versions not stated): TOPMed 0.00001; ESP Exome Variant Server 0.00008; ExAC 0.00001; gnomAD 0.00001; gnomAD exomes 0.00001.
gnomAD v4.1: 24 of 1,612,328 alleles (0.0015%); highest among the groups gnomAD compares: Non-Finnish European, 0.0019%; no homozygotes.

Submissions (4):

Revvity Omics, Revvity
Classification: Uncertain significance. Last evaluated: 2023-06-14. Review status: criteria provided, single submitter. Criteria: ACMG Guidelines, 2015. Collection method: clinical testing. Allele origin: germline.

GeneDx
Classification: Uncertain significance. Last evaluated: 2022-08-19. Review status: criteria provided, single submitter. Criteria: GeneDx Variant Classification Process June 2021. Collection method: clinical testing. Allele origin: germline. Affected: yes.
Comment: Observed with a second variant on the opposite allele (in trans) in a patient with clinical features of both Farber disease and spinal muscular atrophy with progressive myoclonic epilepsy in the published literature (Lee et al., 2020); Not observed at significant frequency in large population cohorts (gnomAD); In silico analysis supports that this missense variant has a deleterious effect on protein structure/function; This variant is associated with the following publications: (PMID: 32627310)

Labcorp Genetics (formerly Invitae), Labcorp
Classification: Uncertain significance. Last evaluated: 2022-07-06. Review status: criteria provided, single submitter. Criteria: Invitae Variant Classification Sherloc (09022015). Collection method: clinical testing. Allele origin: germline.
Comment: This sequence change replaces threonine, which is neutral and polar, with isoleucine, which is neutral and non-polar, at codon 360 of the ASAH1 protein (p.Thr360Ile). This variant is present in population databases (rs371520705, gnomAD 0.008%). This missense change has been observed in individual(s) with ASAH1-related conditions and/or clinical features of ASAH1-related conditions (PMID: 32627310). In at least one individual the data is consistent with being in trans (on the opposite chromosome) from a pathogenic variant. This variant is also known as NM_004315.6:c.1127C>T p.Thr376Ile. ClinVar contains an entry for this variant (Variation ID: 911468). Algorithms developed to predict the effect of missense changes on protein structure and function are either unavailable or do not agree on the potential impact of this missense change (SIFT: "Deleterious"; PolyPhen-2: "Probably Damaging"; Align-GVGD: "Class C15"). This variant disrupts the p.Thr360 amino acid residue in ASAH1. Other variant(s) that disrupt this residue have been observed in individuals with ASAH1-related conditions (PMID: 32875576), which suggests that this may be a clinically significant amino acid residue. In summary, the available evidence is currently insufficient to determine the role of this variant in disease. Therefore, it has been classified as a Variant of Uncertain Significance.

Illumina Laboratory Services, Illumina
Classification: Uncertain significance for Farber lipogranulomatosis. Last evaluated: 2018-01-13. Review status: criteria provided, single submitter. Criteria: ICSL Variant Classification Criteria 13 December 2019. Collection method: clinical testing. Allele origin: germline.

Literature cited by the submitters: PubMed 32627310 (cited by Labcorp Genetics (formerly Invitae), Labcorp); PubMed 32875576 (cited by Labcorp Genetics (formerly Invitae), Labcorp).